The following is an entry in ClinVar:

ClinVar aggregate classification (germline): Benign/Likely benign. Review status: criteria provided, multiple submitters, no conflicts (2 of 4 stars). 5 submissions from 5 submitters: Benign (1); Likely benign (4). Last evaluated 2026-01-28.

Allele frequency attached by ClinVar (database versions not stated): 1000 Genomes Project 0.00599; 1000 Genomes Project 30x 0.00609; ExAC 0.01109; gnomAD exomes 0.01131; gnomAD 0.01202 and 0.01240; ESP Exome Variant Server 0.01353.
gnomAD v4.1: 25,726 of 1,614,050 alleles (1.6%); highest among the groups gnomAD compares: Non-Finnish European, 1.9%; 250 homozygotes.

Submissions (5):

Labcorp Genetics (formerly Invitae), Labcorp
Classification: Benign. Last evaluated: 2026-01-28. Review status: criteria provided, single submitter. Criteria: Invitae Variant Classification Sherloc (09022015). Collection method: clinical testing. Allele origin: germline.

Mayo Clinic Laboratories, Mayo Clinic
Classification: Likely benign. Last evaluated: 2025-05-20. Review status: criteria provided, single submitter. Criteria: ACMG Guidelines, 2015. Collection method: clinical testing. Allele origin: germline. Observed: 8 variant alleles.
Comment: BS1, BP4_moderate

Blueprint Genetics
Classification: Likely benign. Last evaluated: 2024-11-26. Review status: criteria provided, single submitter. Criteria: ACMG Guidelines, 2015. Collection method: clinical testing. Allele origin: germline.

GeneDx
Classification: Likely benign. Last evaluated: 2022-04-03. Review status: criteria provided, single submitter. Criteria: GeneDx Variant Classification Process June 2021. Collection method: clinical testing. Allele origin: germline. Affected: yes.

Breakthrough Genomics
Classification: Likely benign. Review status: criteria provided, single submitter. Criteria: ACMG Guidelines, 2015. Collection method: not provided. Allele origin: germline. Inheritance: Autosomal dominant inheritance. Affected: yes.

NM_005612.5(REST):c.2326C>G (p.Pro776Ala)

Gene: REST (RE1 silencing transcription factor; plus strand). Cytogenetic location: 4q12.
Variant type: single nucleotide variant.
Coding change: c.2326C>G on transcript NM_005612.5 (MANE Select); coding-DNA position 2326, C replaced by G.
Protein change: p.Pro776Ala; replaces proline 776 with alanine.
Molecular consequence: missense variant.
Genome position (GRCh38, 1-based): chr4:56,931,184, C>G. VCF-style: chr4-56931184-C-G. GRCh37 (hg19) VCF-style: chr4-57797350-C-G.
Other names: p.Pro776Ala; c.2326C>G, p.Pro776Ala (NM_001193508.2, NM_001363453.3); short protein forms P776A.
Identifiers: ClinVar variation 1168948 (VCV001168948.16), dbSNP rs61748756, ClinGen allele CA2932457.
Genomic context (GRCh38, chr4:56,931,184, plus strand): 5'-GTCCAGAAGGAACCTGTTAAGATAGAGCTGTCTCCTCCCATAGAGGTGGTCCAGAAGGAG[C>G]CTGTTCAGATGGAGTTGTCTCCTCCCATGGGGGTGGTTCAGAAGGAGCCTGCTCAGAGGG-3'
Protein context (NP_005603.3, residues 766-786): SPPIEVVQKE[Pro776Ala]VQMELSPPMG